The following is an entry in ClinVar:

ClinVar aggregate classification (germline): Uncertain significance (1 of 4 stars; one submission).

Submission:

Labcorp Genetics (formerly Invitae), Labcorp
Classification: Uncertain significance. Last evaluated: 2026-01-04. Review status: criteria provided, single submitter. Criteria: Invitae Variant Classification Sherloc (09022015). Collection method: clinical testing. Allele origin: germline.
Comment: This sequence change replaces glutamic acid, which is acidic and polar, with lysine, which is basic and polar, at codon 696 of the RHOBTB2 protein (p.Glu696Lys). This variant is not present in population databases (gnomAD no frequency). This variant has not been reported in the literature in individuals affected with RHOBTB2-related conditions. Invitae Evidence Modeling of protein sequence and biophysical properties (such as structural, functional, and spatial information, amino acid conservation, physicochemical variation, residue mobility, and thermodynamic stability) indicates that this missense variant is not expected to disrupt RHOBTB2 protein function with a negative predictive value of 80%. In summary, the available evidence is currently insufficient to determine the role of this variant in disease. Therefore, it has been classified as a Variant of Uncertain Significance.

NM_015178.3(RHOBTB2):c.2020G>A (p.Glu674Lys)

Gene: RHOBTB2 (Rho related BTB domain containing 2; plus strand). Cytogenetic location: 8p21.3.
Variant type: single nucleotide variant.
Coding change: c.2020G>A on transcript NM_015178.3 (MANE Select); coding-DNA position 2020, G replaced by A.
Protein change: p.Glu674Lys; replaces glutamic acid 674 with lysine.
Molecular consequence: missense variant.
Genome position (GRCh38, 1-based): chr8:23,017,305, G>A. VCF-style: chr8-23017305-G-A. GRCh37 (hg19) VCF-style: chr8-22874818-G-A.
Other names: c.2086G>A, p.Glu696Lys (NM_001160036.2); c.2041G>A, p.Glu681Lys (NM_001160037.2); c.2020G>A, p.Glu674Lys (NM_001374791.1); short protein forms E674K, E681K, E696K.
Identifiers: ClinVar variation 4744080 (VCV004744080.1).